The following is an entry in ClinVar:

NM_000326.5(RLBP1):c.735G>A (p.Trp245Ter)

Gene: RLBP1 (retinaldehyde binding protein 1; minus strand). Cytogenetic location: 15q26.1.
Variant type: single nucleotide variant.
Coding change: c.735G>A on transcript NM_000326.5 (MANE Select); coding-DNA position 735, G replaced by A.
Protein change: p.Trp245Ter; replaces tryptophan 245 with a stop codon.
Molecular consequence: nonsense.
Genome position (GRCh38, 1-based): chr15:89,210,759, C>T on the plus strand (G>A on the coding strand, the complement: RLBP1 is on the minus strand). VCF-style: chr15-89210759-C-T. GRCh37 (hg19) VCF-style: chr15-89753990-C-T.
Other names: short protein forms W245*.
Identifiers: ClinVar variation 2769329 (VCV002769329.3), dbSNP rs2051530949, ClinGen allele CA393728833.
Genomic context (GRCh38, chr15:89,210,759, plus strand): 5'-CCTCTCAAGCAGCTTGCTCTTCAAGAAGGGCTTGACCACATTGTAGGTCGTGGTGAAGTA[C>T]CATGGCTGGTGGATGAAGTGGATGGCTTTGAACCGGGCTGGGAAGGAATCCTGCGGTGAC-3'

ClinVar aggregate classification (germline): Pathogenic (1 of 4 stars; one submission).

Allele frequency attached by ClinVar (database versions not stated): gnomAD exomes below 0.00001.

Submission:

Labcorp Genetics (formerly Invitae), Labcorp
Classification: Pathogenic. Last evaluated: 2023-10-17. Review status: criteria provided, single submitter. Criteria: Invitae Variant Classification Sherloc (09022015). Collection method: clinical testing. Allele origin: germline.
Comment: This sequence change creates a premature translational stop signal (p.Trp245*) in the RLBP1 gene. It is expected to result in an absent or disrupted protein product. Loss-of-function variants in RLBP1 are known to be pathogenic (PMID: 2392416, 11301032, 21447491, 25429852). This variant is not present in population databases (gnomAD no frequency). This variant has not been reported in the literature in individuals affected with RLBP1-related conditions. For these reasons, this variant has been classified as Pathogenic.

Literature cited by the submitters: PubMed 2392416; PubMed 11301032; PubMed 21447491; PubMed 25429852.